The following is an entry in ClinVar:

NM_020719.3(PRR12):c.2755C>T (p.Gln919Ter)

Gene: PRR12 (proline rich 12; plus strand). Cytogenetic location: 19q13.33.
Variant type: single nucleotide variant.
Coding change: c.2755C>T on transcript NM_020719.3 (MANE Select); coding-DNA position 2755, C replaced by T.
Protein change: p.Gln919Ter; replaces glutamine 919 with a stop codon.
Molecular consequence: nonsense.
Genome position (GRCh38, 1-based): chr19:49,597,090, C>T. VCF-style: chr19-49597090-C-T. GRCh37 (hg19) VCF-style: chr19-50100347-C-T.
Other names: short protein forms Q919*.
Identifiers: ClinVar variation 1013594 (VCV001013594.2), dbSNP rs2080776854, ClinGen allele CA406876709.

ClinVar aggregate classification (germline): Pathogenic. Review status: criteria provided, multiple submitters, no conflicts (2 of 4 stars). 2 submissions from 2 submitters: Pathogenic (2). Last evaluated 2022-03-18.

Conditions:
Neuroocular syndrome. Identifiers: MedGen C5551362, MONDO:0859193.

Allele frequency attached by ClinVar (database versions not stated): gnomAD exomes below 0.00001.

Submissions (2):

SIB Swiss Institute of Bioinformatics
Classification: Pathogenic for Neuroocular syndrome 1. Last evaluated: 2022-03-18. Review status: criteria provided, single submitter. Criteria: ACMG Guidelines, 2015. Collection method: curation. Allele origin: unknown.
Comment: This variant is interpreted as pathogenic for Neuroocular syndrome, autosomal dominant. The following ACMG Tag(s) were applied: Absent from controls (or at extremely low frequency if recessive) in Exome Sequencing Project, 1000 Genomes Project, or Exome Aggregation Consortium (PM2); De novo with paternity and maternity confirmed (PS2); Predicted nullvariant in a gene where LOF is a known mechanism of disease (PVS1 downgraded to strong).

GeneDx
Classification: Pathogenic. Last evaluated: 2021-01-06. Review status: criteria provided, single submitter. Criteria: GeneDx Variant Classification (06012015). Collection method: clinical testing. Allele origin: germline. Affected: yes.
Comment: Not observed in large population cohorts (Lek et al., 2016). Nonsense variant predicted to result in protein truncation or nonsense mediated decay in a gene for which loss-of-function is a known mechanism of disease. We interpret Q919X as a pathogenic variant.

Literature cited by the submitters: PubMed 33824499 (cited by SIB Swiss Institute of Bioinformatics).